The following is an entry in ClinVar:

ClinVar aggregate classification (germline): Uncertain significance (1 of 4 stars; one submission).

Conditions:
CREBBP-related disorder. Also called: CREBBP-related disorders; CREBBP-related condition.

Submission:

PreventionGenetics, part of Exact Sciences
Classification: Uncertain significance for CREBBP-related condition. Last evaluated: 2025-06-02. Review status: criteria provided, single submitter. Criteria: ACMG Guidelines, 2015. Collection method: clinical testing. Allele origin: germline.
Comment: The CREBBP c.3041A>T variant is predicted to result in the amino acid substitution p.Lys1014Ile. To our knowledge, this variant has not been reported in the literature or in a large population database (gnomAD), indicating this variant is rare. At this time, the clinical significance of this variant is uncertain due to the absence of conclusive functional and genetic evidence.

NM_004380.3(CREBBP):c.3041A>T (p.Lys1014Ile)

Gene: CREBBP (CREB binding lysine acetyltransferase; minus strand). Cytogenetic location: 16p13.3.
Variant type: single nucleotide variant.
Coding change: c.3041A>T on transcript NM_004380.3 (MANE Select); coding-DNA position 3041, A replaced by T.
Protein change: p.Lys1014Ile; replaces lysine 1014 with isoleucine.
Molecular consequence: missense variant.
Genome position (GRCh38, 1-based): chr16:3,769,193, T>A on the plus strand (A>T on the coding strand, the complement: CREBBP is on the minus strand). VCF-style: chr16-3769193-T-A. GRCh37 (hg19) VCF-style: chr16-3819194-T-A.
Other names: c.2927A>T, p.Lys976Ile (NM_001079846.1); short protein forms K976I, K1014I.
Identifiers: ClinVar variation 5001215 (VCV005001215.1).
Genomic context (GRCh38, chr16:3,769,193, plus strand): 5'-TGCGATACGCAGTCAATGCATTCCTAGGGAGCGGCACCCACCTCAGACCTGGGCTCCCCT[T>A]TGGATTCACCAGGATCGGGCTCAGTGTCCTCTGCTTGGGTCTCCGTCTTCATTTCCAGCA-3'
Protein context (NP_004371.2, residues 1004-1024): EDTEPDPGES[Lys1014Ile]GEPRSEMMEE